The following is an entry in ClinVar:

NM_001015877.2(PHF6):c.395A>G (p.Lys132Arg)

Gene: PHF6 (PHD finger protein 6; plus strand). Cytogenetic location: Xq26.2.
Variant type: single nucleotide variant.
Coding change: c.395A>G on transcript NM_001015877.2 (MANE Select); coding-DNA position 395, A replaced by G.
Protein change: p.Lys132Arg; replaces lysine 132 with arginine.
Molecular consequence: missense variant.
Genome position (GRCh38, 1-based): chrX:134,393,929, A>G. VCF-style: chrX-134393929-A-G. GRCh37 (hg19) VCF-style: chrX-133527959-A-G.
Other names: c.395A>G, p.Lys132Arg (NM_032335.3, NM_032458.3); short protein forms K132R.
Identifiers: ClinVar variation 3354731 (VCV003354731.1).

ClinVar aggregate classification (germline): Uncertain significance (0 of 4 stars; one submission).

Conditions:
PHF6-related disorder. Also called: PHF6-related condition.

gnomAD v4.1: 10 of 1,208,964 alleles (0.00083%); highest among the groups gnomAD compares: Non-Finnish European, 0.0011%; no homozygotes.

Submission:

PreventionGenetics, part of Exact Sciences
Classification: Uncertain significance for PHF6-related condition. Last evaluated: 2024-04-30. Review status: no assertion criteria provided. Collection method: clinical testing. Allele origin: germline.
Comment: The PHF6 c.395A>G variant is predicted to result in the amino acid substitution p.Lys132Arg. To our knowledge, this variant has not been reported in the literature. This variant is reported in 0.0012% of alleles in individuals of European (Non-Finnish) descent in gnomAD. At this time, the clinical significance of this variant is uncertain due to the absence of conclusive functional and genetic evidence.